The following is an entry in ClinVar:

ClinVar aggregate classification (germline): Uncertain significance. Review status: criteria provided, multiple submitters, no conflicts (2 of 4 stars). 2 submissions from 2 submitters: Uncertain significance (2). Last evaluated 2024-05-22.

Allele frequency attached by ClinVar (database versions not stated): gnomAD exomes 0.00002 and 0.00001; TOPMed 0.00010; gnomAD 0.00007.
gnomAD v4.1: 18 of 1,614,068 alleles (0.0011%); highest among the groups gnomAD compares: Admixed American, 0.03%; no homozygotes.

Submissions (2):

Labcorp Genetics (formerly Invitae), Labcorp
Classification: Uncertain significance. Last evaluated: 2024-05-22. Review status: criteria provided, single submitter. Criteria: Invitae Variant Classification Sherloc (09022015). Collection method: clinical testing. Allele origin: germline.
Comment: This sequence change replaces aspartic acid, which is acidic and polar, with asparagine, which is neutral and polar, at codon 427 of the NUP62 protein (p.Asp427Asn). This variant is present in population databases (no rsID available, gnomAD 0.009%). This variant has not been reported in the literature in individuals affected with NUP62-related conditions. ClinVar contains an entry for this variant (Variation ID: 1515150). An algorithm developed to predict the effect of missense changes on protein structure and function (PolyPhen-2) suggests that this variant is likely to be disruptive. In summary, the available evidence is currently insufficient to determine the role of this variant in disease. Therefore, it has been classified as a Variant of Uncertain Significance.

Ambry Genetics
Classification: Uncertain significance. Last evaluated: 2023-11-03. Review status: criteria provided, single submitter. Criteria: Ambry Variant Classification Scheme 2023. Collection method: clinical testing. Allele origin: germline.

NM_016553.5(NUP62):c.1279G>A (p.Asp427Asn)

Genes: NUP62 (nucleoporin 62; minus strand), IL4I1 (interleukin 4 induced 1; minus strand). Cytogenetic location: 19q13.33.
Variant type: single nucleotide variant.
Coding change: c.1279G>A on transcript NM_016553.5 (MANE Select); coding-DNA position 1279, G replaced by A.
Protein change: p.Asp427Asn; replaces aspartic acid 427 with asparagine.
Molecular consequence: missense variant. On other transcripts: intron variant (3).
Genome position (GRCh38, 1-based): chr19:49,908,529, C>T on the plus strand (G>A on the coding strand, the complement: NUP62 is on the minus strand). VCF-style: chr19-49908529-C-T. GRCh37 (hg19) VCF-style: chr19-50411786-C-T.
Other names: c.1279G>A, p.Asp427Asn (NM_001193357.2, NM_012346.5, NM_153718.4 and 1 more transcripts); c.-227-4208G>A (NM_001258017.2, NM_172374.3); c.-285-4208G>A (NM_001258018.2); short protein forms D427N.
Identifiers: ClinVar variation 1515150 (VCV001515150.7), dbSNP rs1056692605, ClinGen allele CA309553270.
Genomic context (GRCh38, chr19:49,908,529, plus strand): 5'-TGCGCTTGAGCTGTGCATCGATGTTCTCAGCCAGCTTGTAGGTTTTCTCACGCTCCTCAT[C>T]CGCGTGCTGCAGGTAGATGGTCCCGCTCTGCTCCTTGACCAACTCCTCCAGTGGGCTCAG-3'
Protein context (NP_057637.2, residues 417-437): QSGTIYLQHA[Asp427Asn]EEREKTYKLA